The following is an entry in ClinVar:

NM_018489.3(ASH1L):c.142G>T (p.Asp48Tyr)

Gene: ASH1L (ASH1 like histone lysine methyltransferase; minus strand). Cytogenetic location: 1q22.
Variant type: single nucleotide variant.
Coding change: c.142G>T on transcript NM_018489.3 (MANE Select); coding-DNA position 142, G replaced by T.
Protein change: p.Asp48Tyr; replaces aspartic acid 48 with tyrosine.
Molecular consequence: missense variant.
Genome position (GRCh38, 1-based): chr1:155,521,378, C>A on the plus strand (G>T on the coding strand, the complement: ASH1L is on the minus strand). VCF-style: chr1-155521378-C-A. GRCh37 (hg19) VCF-style: chr1-155491169-C-A.
Other names: c.142G>T, p.Asp48Tyr (NM_001366177.2); short protein forms D48Y.
Identifiers: ClinVar variation 2639427 (VCV002639427.24), dbSNP rs2524743805, ClinGen allele CA342715816.

ClinVar aggregate classification (germline): Uncertain significance (1 of 4 stars; one submission).

gnomAD v4.1: 1 of 1,614,148 alleles (0.000062%); highest among the groups gnomAD compares: Non-Finnish European, 0.000085%; no homozygotes.

Submission:

CeGaT Center for Human Genetics Tuebingen
Classification: Uncertain significance. Last evaluated: 2022-06-01. Review status: criteria provided, single submitter. Criteria: CeGaT Center For Human Genetics Tuebingen Variant Classification Criteria Version 2. Collection method: clinical testing. Allele origin: germline. Affected: yes. Observed: 1 variant allele.
Comment: ASH1L: PM2, PP2, BP4